The following is an entry in ClinVar:

NM_003924.4(PHOX2B):c.935G>A (p.Ser312Asn)

Gene: PHOX2B (paired like homeobox 2B; minus strand). Cytogenetic location: 4p13.
Variant type: single nucleotide variant.
Coding change: c.935G>A on transcript NM_003924.4 (MANE Select); coding-DNA position 935, G replaced by A.
Protein change: p.Ser312Asn; replaces serine 312 with asparagine.
Molecular consequence: missense variant.
Genome position (GRCh38, 1-based): chr4:41,745,817, C>T on the plus strand (G>A on the coding strand, the complement: PHOX2B is on the minus strand). VCF-style: chr4-41745817-C-T. GRCh37 (hg19) VCF-style: chr4-41747834-C-T.
Other names: short protein forms S312N.
Identifiers: ClinVar variation 3931861 (VCV003931861.1).

ClinVar aggregate classification (germline): Uncertain significance (1 of 4 stars; one submission).

Conditions:
Hereditary cancer-predisposing syndrome. Also called: Tumor predisposition; Hereditary neoplastic syndrome; Hereditary Cancer Syndrome; Neoplastic Syndromes, Hereditary. Identifiers: Orphanet 140162, MedGen C0027672, MeSH D009386, MONDO:0015356.

Submission:

Ambry Genetics
Classification: Uncertain significance for Hereditary cancer-predisposing syndrome. Last evaluated: 2025-06-12. Review status: criteria provided, single submitter. Criteria: Ambry Variant Classification Scheme 2023. Collection method: clinical testing. Allele origin: germline.
Comment: The p.S312N variant (also known as c.935G>A), located in coding exon 3 of the PHOX2B gene, results from a G to A substitution at nucleotide position 935. The serine at codon 312 is replaced by asparagine, an amino acid with highly similar properties. This amino acid position is conserved. In addition, this alteration is predicted to be tolerated by in silico analysis. Based on the available evidence, the clinical significance of this variant remains unclear.